The following is an entry in ClinVar:

ClinVar aggregate classification (germline): Uncertain significance (1 of 4 stars; one submission).

Conditions:
Isolated microphthalmia 5. Also called: Posterior Microphthalmia with Retinitis Pigmentosa, Foveoschisis, and Optic Disc Drusen. Identifiers: Orphanet 251279, MedGen C1970236, MONDO:0012605, OMIM 611040.

Allele frequency attached by ClinVar (database versions not stated): gnomAD 0.00001; TOPMed below 0.00001; gnomAD exomes below 0.00001.
gnomAD v4.1: 8 of 1,613,890 alleles (0.0005%); no homozygotes.

Submission:

Labcorp Genetics (formerly Invitae), Labcorp
Classification: Uncertain significance for Isolated microphthalmia 5. Last evaluated: 2021-10-27. Review status: criteria provided, single submitter. Criteria: Invitae Variant Classification Sherloc (09022015). Collection method: clinical testing. Allele origin: germline.
Comment: In summary, the available evidence is currently insufficient to determine the role of this variant in disease. Therefore, it has been classified as a Variant of Uncertain Significance. Algorithms developed to predict the effect of missense changes on protein structure and function (SIFT, PolyPhen-2, Align-GVGD) all suggest that this variant is likely to be tolerated. This variant has not been reported in the literature in individuals affected with MFRP-related conditions. This variant is present in population databases (no rsID available, gnomAD 0.01%). This sequence change replaces histidine, a(n) basic and polar amino acid, with arginine, a(n) basic and polar amino acid, at codon 262 of the MFRP protein (p.His262Arg).

NM_031433.4(MFRP):c.785A>G (p.His262Arg)

Genes: C1QTNF5 (C1q and TNF related 5; minus strand), MFRP (membrane frizzled-related protein; minus strand). Cytogenetic location: 11q23.3.
Variant type: single nucleotide variant.
Coding change: c.785A>G on transcript NM_031433.4 (MANE Select); coding-DNA position 785, A replaced by G.
Protein change: p.His262Arg; replaces histidine 262 with arginine.
Molecular consequence: missense variant. On other transcripts: 5 prime UTR variant (1).
Genome position (GRCh38, 1-based): chr11:119,344,745, T>C on the plus strand (A>G on the coding strand, the complement: MFRP is on the minus strand). VCF-style: chr11-119344745-T-C. GRCh37 (hg19) VCF-style: chr11-119215455-T-C.
Other names: c.-1852A>G (NM_015645.5); short protein forms H262R.
Identifiers: ClinVar variation 1386597 (VCV001386597.6), dbSNP rs1423566160, ClinGen allele CA382976905.